The following is an entry in ClinVar:

NM_006563.5(KLF1):c.810G>A (p.Ser270=)

Genes: KLF1 (KLF transcription factor 1; minus strand), LOC117125591 (CRISPRi-FlowFISH-validated PRDX2 and RAD23A regulatory element; plus strand). Cytogenetic location: 19p13.13.
Variant type: single nucleotide variant.
Coding change: c.810G>A on transcript NM_006563.5 (MANE Select); coding-DNA position 810, G replaced by A.
Protein change: p.Ser270=; no amino-acid change (serine 270 retained).
Molecular consequence: synonymous variant.
Genome position (GRCh38, 1-based): chr19:12,885,420, C>T on the plus strand (G>A on the coding strand, the complement: KLF1 is on the minus strand). VCF-style: chr19-12885420-C-T. GRCh37 (hg19) VCF-style: chr19-12996234-C-T.
Identifiers: ClinVar variation 1961502 (VCV001961502.9), dbSNP rs918078814, ClinGen allele CA505778038.
Genomic context (GRCh38, chr19:12,885,420, plus strand): 5'-GTAGCTCTTGCCGCAACCCGGGTGCGCGCACGTGTGCGCTGCCTGCCTCTTGCGCGCCCA[C>T]GAACGTCGGCCTCGCTTGGATGGCGCGGTCTCGGCTATCACACCTGGATCCTCTGCAGTC-3'
Protein context (NP_006554.1, residues 260-280): ETAPSKRGRR[Ser270=]WARKRQAAHT

ClinVar aggregate classification (germline): Likely benign. Review status: criteria provided, multiple submitters, no conflicts (2 of 4 stars). 2 submissions from 2 submitters: Likely benign (2). Last evaluated 2026-01-01.

Submissions (2):

CeGaT Center for Human Genetics Tuebingen
Classification: Likely benign. Last evaluated: 2026-01-01. Review status: criteria provided, single submitter. Criteria: CeGaT Center For Human Genetics Tuebingen Variant Classification Criteria Version 2. Collection method: clinical testing. Allele origin: germline. Affected: yes. Observed: 1 variant allele.
Comment: KLF1: BP4, BP7

Labcorp Genetics (formerly Invitae), Labcorp
Classification: Likely benign. Last evaluated: 2022-07-11. Review status: criteria provided, single submitter. Criteria: Invitae Variant Classification Sherloc (09022015). Collection method: clinical testing. Allele origin: germline.